The following is an entry in ClinVar:

NM_001365951.3(KIF1B):c.4380_4382del (p.Arg1462del)

Gene: KIF1B (kinesin family member 1B; plus strand). Cytogenetic location: 1p36.22.
Variant type: Deletion.
Coding change: c.4380_4382del on transcript NM_001365951.3 (MANE Select); coding-DNA positions 4380 to 4382, 3 bases deleted (GAG; older notation c.4380_4382delGAG).
Protein change: p.Arg1462del; deletes arginine 1462.
Molecular consequence: inframe deletion.
Genome position (GRCh38, 1-based): chr1:10,365,113-10,365,115, GAG deleted; deleting any 3 consecutive bases within chr1:10,365,111-10,365,115 gives the same sequence; the c. name uses the placement nearest the transcript's 3' end. VCF-style (leftmost placement, unchanged base first): chr1-10365110-AAGG-A. GRCh37 (hg19) VCF-style: chr1-10425168-AAGG-A.
Other names: c.4380_4382del, p.Arg1462del (NM_001365952.1); c.4242_4244del, p.Arg1416del (NM_015074.3); c.4242_4244delGAG (NM_015074.3); short protein forms R1416del, R1462del.
Identifiers: ClinVar variation 2497096 (VCV002497096.4), dbSNP rs1207624940, ClinGen allele CA884816286.

ClinVar aggregate classification (germline): Uncertain significance. Review status: criteria provided, multiple submitters, no conflicts (2 of 4 stars). 2 submissions from 2 submitters: Uncertain significance (2). Last evaluated 2023-02-13.

Conditions:
Charcot-Marie-Tooth disease type 2A1. Also called: CHARCOT-MARIE-TOOTH DISEASE, AXONAL, TYPE 2A1; CHARCOT-MARIE-TOOTH DISEASE, AXONAL, AUTOSOMAL DOMINANT, TYPE 2A1; CHARCOT-MARIE-TOOTH DISEASE, NEURONAL, TYPE 2A1; CHARCOT-MARIE-TOOTH NEUROPATHY, TYPE 2A1; HEREDITARY MOTOR AND SENSORY NEUROPATHY IIA1. Identifiers: Orphanet 99946, MedGen C1861678, MONDO:0007308, OMIM 118210.
Neuroblastoma, susceptibility to, 1. Identifiers: MedGen C2749485, MONDO:0009741, OMIM 256700.

Submissions (2):

Ambry Genetics
Classification: Uncertain significance. Last evaluated: 2023-02-13. Review status: criteria provided, single submitter. Criteria: Ambry Variant Classification Scheme 2023. Collection method: clinical testing. Allele origin: germline.
Comment: The c.4242_4244delGAG variant (also known as p.R1416del) is located in coding exon 39 of the KIF1B gene. This variant results from an in-frame GAG deletion at nucleotide positions 4242 to 4244. This results in the in-frame deletion of an arginine at codon 1416. This amino acid position is highly conserved in available vertebrate species. The evidence for this gene-disease relationship is limited; therefore, the clinical significance of this alteration is unclear.

Juno Genomics, Hangzhou Juno Genomics, Inc
Classification: Uncertain significance for Neuroblastoma, susceptibility to, 1; Charcot-Marie-Tooth disease type 2A1. Review status: criteria provided, single submitter. Criteria: ACMG Guidelines, 2015. Collection method: clinical testing. Allele origin: germline.
Comment: Absent from controls (or at extremely low frequency if recessive) in Genome Aggregation Database.;Protein length changes due to in-frame deletions/insertions in a non-repeat region or stop-loss variants.